The following is an entry in ClinVar:

ClinVar aggregate classification (germline): Uncertain significance. Review status: criteria provided, multiple submitters, no conflicts (2 of 4 stars). 3 submissions from 3 submitters: Uncertain significance (3). Last evaluated 2025-12-09.

Conditions:
Primary ciliary dyskinesia. Also called: Ciliary dyskinesia. Identifiers: Orphanet 244, MedGen C0008780, MONDO:0016575, HP:0012265.

Allele frequency attached by ClinVar (database versions not stated): ExAC 0.00002; gnomAD 0.00002 and 0.00003; gnomAD exomes 0.00002 and 0.00007; TOPMed 0.00010.
gnomAD v4.1: 43 of 1,613,984 alleles (0.0027%); highest among the groups gnomAD compares: Admixed American, 0.045%; no homozygotes.

Submissions (3):

Ambry Genetics
Classification: Uncertain significance for Primary ciliary dyskinesia. Last evaluated: 2025-12-09. Review status: criteria provided, single submitter. Criteria: Ambry Variant Classification Scheme 2023. Collection method: clinical testing. Allele origin: germline.

Labcorp Genetics (formerly Invitae), Labcorp
Classification: Uncertain significance for Primary ciliary dyskinesia. Last evaluated: 2024-09-05. Review status: criteria provided, single submitter. Criteria: Invitae Variant Classification Sherloc (09022015). Collection method: clinical testing. Allele origin: germline.
Comment: This sequence change replaces proline, which is neutral and non-polar, with leucine, which is neutral and non-polar, at codon 103 of the CCDC40 protein (p.Pro103Leu). This variant is present in population databases (rs769458274, gnomAD 0.04%). This variant has not been reported in the literature in individuals affected with CCDC40-related conditions. ClinVar contains an entry for this variant (Variation ID: 1010331). An algorithm developed to predict the effect of missense changes on protein structure and function outputs the following: PolyPhen-2: "Benign". The leucine amino acid residue is found in multiple mammalian species, which suggests that this missense change does not adversely affect protein function. In summary, the available evidence is currently insufficient to determine the role of this variant in disease. Therefore, it has been classified as a Variant of Uncertain Significance.

GeneDx
Classification: Uncertain significance. Last evaluated: 2023-12-18. Review status: criteria provided, single submitter. Criteria: GeneDx Variant Classification Process June 2021. Collection method: clinical testing. Allele origin: germline. Affected: yes.
Comment: In silico analysis supports that this missense variant does not alter protein structure/function; Has not been previously published as pathogenic or benign to our knowledge

NM_017950.4(CCDC40):c.308C>T (p.Pro103Leu)

Gene: CCDC40 (coiled-coil domain 40 molecular ruler complex subunit; plus strand). Cytogenetic location: 17q25.3.
Variant type: single nucleotide variant.
Coding change: c.308C>T on transcript NM_017950.4 (MANE Select); coding-DNA position 308, C replaced by T.
Protein change: p.Pro103Leu; replaces proline 103 with leucine.
Molecular consequence: missense variant.
Genome position (GRCh38, 1-based): chr17:80,040,026, C>T. VCF-style: chr17-80040026-C-T. GRCh37 (hg19) VCF-style: chr17-78013825-C-T.
Other names: c.308C>T, p.Pro103Leu (NM_001243342.2, NM_001330508.2); short protein forms P103L.
Identifiers: ClinVar variation 1010331 (VCV001010331.13), dbSNP rs769458274, ClinGen allele CA8813412.
Genomic context (GRCh38, chr17:80,040,026, plus strand): 5'-CTGTGTCCTATGGAGATGCTGAAAGCGAAGAGGAATATTACTATACAGAAACTTCATCCC[C>T]GGAAGGGCAAATCAGTGCTGCAGATACGACTTACCCGTATTTCAGTCCTCCTCAGGAACT-3'
Protein context (NP_060420.2, residues 93-113): EEYYYTETSS[Pro103Leu]EGQISAADTT